The following is an entry in ClinVar:

ClinVar aggregate classification (germline): Likely pathogenic (1 of 4 stars; one submission).

Submission:

GeneDx
Classification: Likely pathogenic. Last evaluated: 2026-10-26. Review status: criteria provided, single submitter. Criteria: GeneDx Variant Classification Process June 2021. Collection method: clinical testing. Allele origin: germline.
Comment: In silico analysis supports that this missense variant has a deleterious effect on protein structure/function; Not observed at significant frequency in large population cohorts (gnomAD); This variant is associated with the following publications: (PMID: 33057194, 35982159, 42697193)

NM_014717.3(ZNF536):c.442C>T (p.His148Tyr)

Gene: ZNF536 (zinc finger protein 536; plus strand). Cytogenetic location: 19q12.
Variant type: single nucleotide variant.
Coding change: c.442C>T on transcript NM_014717.3 (MANE Select); coding-DNA position 442, C replaced by T.
Protein change: p.His148Tyr; replaces histidine 148 with tyrosine.
Molecular consequence: missense variant.
Genome position (GRCh38, 1-based): chr19:30,444,004, C>T. VCF-style: chr19-30444004-C-T. GRCh37 (hg19) VCF-style: chr19-30934911-C-T.
Other names: c.442C>T, p.His148Tyr (NM_001352260.2, NM_001376110.1, NM_001376111.1 and 1 more transcripts); short protein forms H148Y.
Identifiers: ClinVar variation 4976659 (VCV004976659.2).